The following is an entry in ClinVar:

ClinVar aggregate classification (germline): Uncertain significance (1 of 4 stars; one submission).

Conditions:
Familial adenomatous polyposis 1 (FAP1). Also called: POLYPOSIS, ADENOMATOUS INTESTINAL; FAMILIAL ADENOMATOUS POLYPOSIS 1, ATTENUATED. Identifiers: MedGen C2713442, MONDO:0021056, OMIM 175100. Disease mechanism: loss of function.

Allele frequency attached by ClinVar (database versions not stated): gnomAD exomes below 0.00001; ExAC 0.00001.
gnomAD v4.1: 1 of 1,613,944 alleles (0.000062%); highest among the groups gnomAD compares: Admixed American, 0.0017%; no homozygotes.

Submission:

Labcorp Genetics (formerly Invitae), Labcorp
Classification: Uncertain significance for Familial adenomatous polyposis 1. Last evaluated: 2023-10-07. Review status: criteria provided, single submitter. Criteria: Invitae Variant Classification Sherloc (09022015). Collection method: clinical testing. Allele origin: germline.
Comment: This sequence change replaces lysine, which is basic and polar, with glutamine, which is neutral and polar, at codon 560 of the APC protein (p.Lys560Gln). This variant is present in population databases (rs776886963, gnomAD 0.003%). This variant has not been reported in the literature in individuals affected with APC-related conditions. Advanced modeling of protein sequence and biophysical properties (such as structural, functional, and spatial information, amino acid conservation, physicochemical variation, residue mobility, and thermodynamic stability) performed at Invitae indicates that this missense variant is not expected to disrupt APC protein function. In summary, the available evidence is currently insufficient to determine the role of this variant in disease. Therefore, it has been classified as a Variant of Uncertain Significance.

NM_000038.6(APC):c.1678A>C (p.Lys560Gln)

Gene: APC (APC regulator of Wnt signaling pathway; plus strand). Cytogenetic location: 5q22.2.
Variant type: single nucleotide variant.
Coding change: c.1678A>C on transcript NM_000038.6 (MANE Select); coding-DNA position 1678, A replaced by C.
Protein change: p.Lys560Gln; replaces lysine 560 with glutamine.
Molecular consequence: missense variant.
Genome position (GRCh38, 1-based): chr5:112,828,907, A>C. VCF-style: chr5-112828907-A-C. GRCh37 (hg19) VCF-style: chr5-112164604-A-C.
Other names: c.1678A>C, p.Lys560Gln (NM_001127510.3, NM_001354895.2, NM_001407450.1); c.1624A>C, p.Lys542Gln (NM_001127511.3); c.1732A>C, p.Lys578Gln (NM_001354896.2, NM_001407447.1, NM_001407448.1 and 1 more transcripts); c.1708A>C, p.Lys570Gln (NM_001354897.2); c.1603A>C, p.Lys535Gln (NM_001354898.2); c.1594A>C, p.Lys532Gln (NM_001354899.2); c.1555A>C, p.Lys519Gln (NM_001354900.2); c.1501A>C, p.Lys501Gln (NM_001354901.2, NM_001407453.1); and 11 more; short protein forms K400Q, K434Q, K532Q, K542Q, K560Q, K570Q, K588Q, K176Q.
Identifiers: ClinVar variation 2766635 (VCV002766635.3), dbSNP rs776886963, ClinGen allele CA028982.